The following is an entry in ClinVar:

NM_021098.3(CACNA1H):c.1200C>G (p.Ile400Met)

Gene: CACNA1H (calcium voltage-gated channel subunit alpha1 H; plus strand). Cytogenetic location: 16p13.3.
Variant type: single nucleotide variant.
Coding change: c.1200C>G on transcript NM_021098.3 (MANE Select); coding-DNA position 1200, C replaced by G.
Protein change: p.Ile400Met; replaces isoleucine 400 with methionine.
Molecular consequence: missense variant.
Genome position (GRCh38, 1-based): chr16:1,200,796, C>G. VCF-style: chr16-1200796-C-G. GRCh37 (hg19) VCF-style: chr16-1250796-C-G.
Other names: c.1200C>G, p.Ile400Met (NM_001005407.2); short protein forms I400M.
Identifiers: ClinVar variation 3360450 (VCV003360450.2).

ClinVar aggregate classification (germline): Uncertain significance. Review status: criteria provided, multiple submitters, no conflicts (2 of 4 stars). 2 submissions from 2 submitters: Uncertain significance (2). Last evaluated 2025-11-12.

Conditions:
Idiopathic generalized epilepsy. Also called: Generalised epilepsy; EIG. Identifiers: MedGen C0270850, MONDO:0005579, OMIM 600669.
Hyperaldosteronism, familial, type IV (HALD4). Also called: FH IV; ALDOSTERONISM, PRIMARY, AND HYPERTENSION. Identifiers: Orphanet 642671, MedGen C4310756, MONDO:0014875, OMIM 617027.

gnomAD v4.1: 10 of 1,551,906 alleles (0.00064%); highest among the groups gnomAD compares: Non-Finnish European, 0.00087%; no homozygotes.

Submissions (2):

Labcorp Genetics (formerly Invitae), Labcorp
Classification: Uncertain significance for Idiopathic generalized epilepsy; Hyperaldosteronism, familial, type IV. Last evaluated: 2025-11-12. Review status: criteria provided, single submitter. Criteria: Invitae Variant Classification Sherloc (09022015). Collection method: clinical testing. Allele origin: germline.
Comment: This sequence change replaces isoleucine, which is neutral and non-polar, with methionine, which is neutral and non-polar, at codon 400 of the CACNA1H protein (p.Ile400Met). This variant is not present in population databases (gnomAD no frequency). This variant has not been reported in the literature in individuals affected with CACNA1H-related conditions. ClinVar contains an entry for this variant (Variation ID: 3360450). Invitae Evidence Modeling of protein sequence and biophysical properties (such as structural, functional, and spatial information, amino acid conservation, physicochemical variation, residue mobility, and thermodynamic stability) indicates that this missense variant is expected to disrupt CACNA1H protein function with a positive predictive value of 80%. In summary, the available evidence is currently insufficient to determine the role of this variant in disease. Therefore, it has been classified as a Variant of Uncertain Significance.

GeneDx
Classification: Uncertain significance. Last evaluated: 2023-06-26. Review status: criteria provided, single submitter. Criteria: GeneDx Variant Classification Process June 2021. Collection method: clinical testing. Allele origin: germline. Affected: yes.
Comment: Not observed at significant frequency in large population cohorts (gnomAD); In silico analysis supports that this missense variant has a deleterious effect on protein structure/function; Has not been previously published as pathogenic or benign to our knowledge